The following is an entry in ClinVar:

NM_001374736.1(DST):c.21419C>T (p.Ser7140Leu)

Gene: DST (dystonin; minus strand). Cytogenetic location: 6p12.1.
Variant type: single nucleotide variant.
Coding change: c.21419C>T on transcript NM_001374736.1 (MANE Select); coding-DNA position 21419, C replaced by T.
Protein change: p.Ser7140Leu; replaces serine 7140 with leucine.
Molecular consequence: missense variant.
Genome position (GRCh38, 1-based): chr6:56,482,162, G>A on the plus strand (C>T on the coding strand, the complement: DST is on the minus strand). VCF-style: chr6-56482162-G-A. GRCh37 (hg19) VCF-style: chr6-56346960-G-A.
Other names: p.Ser4517Leu; c.15062C>T, p.Ser5021Leu (NM_001144769.5); c.14648C>T, p.Ser4883Leu (NM_001144770.2); c.21419C>T, p.Ser7140Leu (NM_001374722.1); c.20459C>T, p.Ser6820Leu (NM_001374729.1); c.14201C>T, p.Ser4734Leu (NM_001374730.1); c.21446C>T, p.Ser7149Leu (NM_001374734.1); c.14528C>T, p.Ser4843Leu (NM_001386100.1, NM_183380.4); and 1 more; short protein forms S4517L, S4734L, S4843L, S4883L, S5021L, S6820L, S7140L, S7149L.
Identifiers: ClinVar variation 1055363 (VCV001055363.5), dbSNP rs370202418, ClinGen allele CA3866481.
Genomic context (GRCh38, chr6:56,482,162, plus strand): 5'-CCATGGAAACGCAGGGTTTGCTCCGCCTCAGCCAGCCACTCCAAGAGGGCATGTACCACC[G>A]AGTGGAATTCCTCTGCCTAAGAGTTCACACACACACACACCCCAAACAAAATTCCCAAAT-3'
Protein context (NP_001361665.1, residues 7130-7150): AALRQAEEFH[Ser7140Leu]VVHALLEWLA

ClinVar aggregate classification (germline): Uncertain significance. Review status: criteria provided, multiple submitters, no conflicts (2 of 4 stars). 2 submissions from 2 submitters: Uncertain significance (2). Last evaluated 2025-11-23.

Conditions:
Epidermolysis bullosa simplex 3, localized or generalized intermediate, with BP230 deficiency (EBS3). Also called: Epidermolysis bullosa simplex due to BP230 deficiency; Epidermolysis bullosa simplex, autosomal recessive 2. Identifiers: Orphanet 412181, MedGen C3809470, MONDO:0014180, OMIM 615425.
Hereditary sensory and autonomic neuropathy type 6. Also called: HSAN VI; Neuropathy, hereditary sensory and autonomic, type VI. Identifiers: Orphanet 314381, MedGen C3539003, MONDO:0013839, OMIM 614653.

Allele frequency attached by ClinVar (database versions not stated): gnomAD exomes 0.00001 and 0.00002; gnomAD 0.00002 and 0.00003; TOPMed 0.00003; ExAC 0.00004; ESP Exome Variant Server 0.00016.
gnomAD v4.1: 16 of 1,602,818 alleles (0.001%); highest among the groups gnomAD compares: African/African-American, 0.0081%; no homozygotes.

Submissions (2):

Mayo Clinic Laboratories, Mayo Clinic
Classification: Uncertain significance. Last evaluated: 2025-11-23. Review status: criteria provided, single submitter. Criteria: ACMG Guidelines, 2015. Collection method: clinical testing. Allele origin: germline. Observed: 2 variant alleles.

Labcorp Genetics (formerly Invitae), Labcorp
Classification: Uncertain significance for Epidermolysis bullosa simplex 3, localized or generalized intermediate, with BP230 deficiency; Hereditary sensory and autonomic neuropathy type 6. Last evaluated: 2022-10-05. Review status: criteria provided, single submitter. Criteria: Invitae Variant Classification Sherloc (09022015). Collection method: clinical testing. Allele origin: germline.
Comment: The DST gene has multiple clinically relevant transcripts. This variant occurs in alternate transcript NM_015548.4, and corresponds to NM_001723.5:c.*133355C>T in the primary transcript. This sequence change replaces serine, which is neutral and polar, with leucine, which is neutral and non-polar, at codon 4517 of the DST protein (p.Ser4517Leu). This variant is present in population databases (rs370202418, gnomAD 0.02%). This variant has not been reported in the literature in individuals affected with DST-related conditions. Experimental studies and prediction algorithms are not available or were not evaluated, and the functional significance of this variant is currently unknown. In summary, the available evidence is currently insufficient to determine the role of this variant in disease. Therefore, it has been classified as a Variant of Uncertain Significance.